The following is an entry in ClinVar:

ClinVar aggregate classification (germline): Uncertain significance (1 of 4 stars; one submission).

Conditions:
Charcot-Marie-Tooth disease type 4A. Also called: Charcot-Marie-Tooth disease, demyelinating, autosomal recessive, type 4a. Identifiers: Orphanet 99948, MedGen C1859198, MONDO:0008961, OMIM 214400.

Submission:

Labcorp Genetics (formerly Invitae), Labcorp
Classification: Uncertain significance for Charcot-Marie-Tooth disease type 4A. Last evaluated: 2023-01-14. Review status: criteria provided, single submitter. Criteria: Invitae Variant Classification Sherloc (09022015). Collection method: clinical testing. Allele origin: germline.
Comment: This variant has not been reported in the literature in individuals affected with GDAP1-related conditions. This variant is not present in population databases (gnomAD no frequency). This sequence change replaces arginine, which is basic and polar, with glycine, which is neutral and non-polar, at codon 125 of the GDAP1 protein (p.Arg125Gly). ClinVar contains an entry for this variant (Variation ID: 1717396). In summary, the available evidence is currently insufficient to determine the role of this variant in disease. Therefore, it has been classified as a Variant of Uncertain Significance. Algorithms developed to predict the effect of missense changes on protein structure and function are either unavailable or do not agree on the potential impact of this missense change (SIFT: "Tolerated"; PolyPhen-2: "Probably Damaging"; Align-GVGD: "Class C0").

NM_018972.4(GDAP1):c.373C>G (p.Arg125Gly)

Gene: GDAP1 (ganglioside induced differentiation associated protein 1; plus strand). Cytogenetic location: 8q21.11.
Variant type: single nucleotide variant.
Coding change: c.373C>G on transcript NM_018972.4 (MANE Select); coding-DNA position 373, C replaced by G.
Protein change: p.Arg125Gly; replaces arginine 125 with glycine.
Molecular consequence: missense variant. On other transcripts: intron variant (1).
Genome position (GRCh38, 1-based): chr8:74,360,199, C>G. VCF-style: chr8-74360199-C-G. GRCh37 (hg19) VCF-style: chr8-75272434-C-G.
Other names: c.311-1685C>G (NM_001362930.2); c.169C>G, p.Arg57Gly (NM_001040875.4); c.46C>G, p.Arg16Gly (NM_001362929.2, NM_001362932.2); c.373C>G, p.Arg125Gly (NM_001362931.2); short protein forms R125G, R16G, R57G.
Identifiers: ClinVar variation 1717396 (VCV001717396.5), dbSNP rs745663149, ClinGen allele CA371548543.